The following is an entry in ClinVar:

NM_130384.3(ATRIP):c.2117G>A (p.Gly706Glu)

Genes: ATRIP (ATR interacting protein; plus strand), ATRIP-TREX1 (ATRIP-TREX1 readthrough; plus strand). Cytogenetic location: 3p21.31.
Variant type: single nucleotide variant.
Coding change: c.2117G>A on transcript NM_130384.3 (MANE Select); coding-DNA position 2117, G replaced by A.
Protein change: p.Gly706Glu; replaces glycine 706 with glutamic acid.
Molecular consequence: missense variant. On other transcripts: non-coding transcript variant (1).
Genome position (GRCh38, 1-based): chr3:48,464,892, G>A. VCF-style: chr3-48464892-G-A. GRCh37 (hg19) VCF-style: chr3-48506291-G-A.
Other names: c.1736G>A, p.Gly579Glu (NM_001271022.2); c.1838G>A, p.Gly613Glu (NM_001271023.2); c.2036G>A, p.Gly679Glu (NM_032166.4); short protein forms G579E, G613E, G679E, G706E.
Identifiers: ClinVar variation 5032482 (VCV005032482.1).
Genomic context (GRCh38, chr3:48,464,892, plus strand): 5'-TGGTCAGAGCGCTCACGGTGATGTTGCACAGACAGTGGCTGACAGTGCGGAGGGCAGGGG[G>A]ACCCCCAAGGACCGACCAGCAGAGGCGGACAGTGCGCTGTCTGCGGGACACGGTGCTGCT-3'
Protein context (NP_569055.1, residues 696-716): RQWLTVRRAG[Gly706Glu]PPRTDQQRRT

ClinVar aggregate classification (germline): Uncertain significance (1 of 4 stars; one submission).

Submission:

Ambry Genetics
Classification: Uncertain significance. Last evaluated: 2026-09-03. Review status: criteria provided, single submitter. Criteria: Ambry Variant Classification Scheme 2023. Collection method: clinical testing. Allele origin: germline.
Comment: The p.G706E variant (also known as c.2117G>A), located in coding exon 12 of the ATRIP gene, results from a G to A substitution at nucleotide position 2117. The glycine at codon 706 is replaced by glutamic acid, an amino acid with similar properties. This amino acid position is conserved. In addition, this alteration is predicted to be tolerated by in silico analysis. Based on the available evidence, the clinical significance of this variant remains unclear.